The following is an entry in ClinVar:

NM_000152.5(GAA):c.485A>G (p.Lys162Arg)

Gene: GAA (alpha glucosidase; plus strand). Cytogenetic location: 17q25.3.
Variant type: single nucleotide variant.
Coding change: c.485A>G on transcript NM_000152.5 (MANE Select); coding-DNA position 485, A replaced by G.
Protein change: p.Lys162Arg; replaces lysine 162 with arginine.
Molecular consequence: missense variant.
Genome position (GRCh38, 1-based): chr17:80,105,071, A>G. VCF-style: chr17-80105071-A-G. GRCh37 (hg19) VCF-style: chr17-78078870-A-G.
Other names: c.485A>G, p.Lys162Arg (NM_001079803.3, NM_001079804.3, NM_001406741.1 and 1 more transcripts); short protein forms K162R.
Identifiers: ClinVar variation 2138931 (VCV002138931.1), dbSNP rs1205319348, ClinGen allele CA401361638.
Genomic context (GRCh38, chr17:80,105,071, plus strand): 5'-GCTCCTCTGAAATGGGCTACACGGCCACCCTGACCCGTACCACCCCCACCTTCTTCCCCA[A>G]GGACATCCTGACCCTGCGGCTGGACGTGATGATGGAGACTGAGAACCGCCTCCACTTCAC-3'
Protein context (NP_000143.2, residues 152-172): LTRTTPTFFP[Lys162Arg]DILTLRLDVM

ClinVar aggregate classification (germline): Uncertain significance (1 of 4 stars; one submission).

Conditions:
Glycogen storage disease, type II (IOPD). Also called: GLYCOGENOSIS, GENERALIZED, CARDIAC FORM; GSD II; CARDIOMEGALIA GLYCOGENICA DIFFUSA; Glycogen storage disease type 2; Acid maltase deficiency disease; Aglucosidase alfa. Identifiers: Orphanet 365, MedGen C0017921, MONDO:0009290, OMIM 232300.

Allele frequency attached by ClinVar (database versions not stated): gnomAD exomes below 0.00001; TOPMed 0.00001.
gnomAD v4.1: 6 of 1,612,694 alleles (0.00037%); highest among the groups gnomAD compares: Admixed American, 0.0017%; no homozygotes.

Submission:

Labcorp Genetics (formerly Invitae), Labcorp
Classification: Uncertain significance for Glycogen storage disease, type II. Last evaluated: 2022-09-12. Review status: criteria provided, single submitter. Criteria: Invitae Variant Classification Sherloc (09022015). Collection method: clinical testing. Allele origin: germline.
Comment: This sequence change replaces lysine, which is basic and polar, with arginine, which is basic and polar, at codon 162 of the GAA protein (p.Lys162Arg). This variant is present in population databases (no rsID available, gnomAD 0.003%). This variant has not been reported in the literature in individuals affected with GAA-related conditions. Advanced modeling of protein sequence and biophysical properties (such as structural, functional, and spatial information, amino acid conservation, physicochemical variation, residue mobility, and thermodynamic stability) performed at Invitae indicates that this missense variant is not expected to disrupt GAA protein function. Algorithms developed to predict the effect of sequence changes on RNA splicing suggest that this variant may create or strengthen a splice site. In summary, the available evidence is currently insufficient to determine the role of this variant in disease. Therefore, it has been classified as a Variant of Uncertain Significance.